The following is an entry in ClinVar:

ClinVar aggregate classification (germline): Likely benign (1 of 4 stars; one submission).

Submission:

CeGaT Center for Human Genetics Tuebingen
Classification: Likely benign. Last evaluated: 2024-11-01. Review status: criteria provided, single submitter. Criteria: CeGaT Center For Human Genetics Tuebingen Variant Classification Criteria Version 2. Collection method: clinical testing. Allele origin: germline. Affected: yes. Observed: 1 variant allele.
Comment: BLM: PM2:Supporting, BP4, BP7

NM_000057.4(BLM):c.2961T>C (p.Ser987=)

Gene: BLM (BLM RecQ like helicase; plus strand). Cytogenetic location: 15q26.1.
Variant type: single nucleotide variant.
Coding change: c.2961T>C on transcript NM_000057.4 (MANE Select); coding-DNA position 2961, T replaced by C.
Protein change: p.Ser987=; no amino-acid change (serine 987 retained).
Molecular consequence: synonymous variant.
Genome position (GRCh38, 1-based): chr15:90,790,786, T>C. VCF-style: chr15-90790786-T-C. GRCh37 (hg19) VCF-style: chr15-91334016-T-C.
Other names: c.2961T>C, p.Ser987= (NM_001287246.2, NM_001287247.2); c.1836T>C, p.Ser612= (NM_001287248.2).
Identifiers: ClinVar variation 3390096 (VCV003390096.14).